The following is an entry in ClinVar:

NM_000138.5(FBN1):c.595C>G (p.Leu199Val)

Gene: FBN1 (fibrillin 1; minus strand). Cytogenetic location: 15q21.1.
Variant type: single nucleotide variant.
Coding change: c.595C>G on transcript NM_000138.5 (MANE Select); coding-DNA position 595, C replaced by G.
Protein change: p.Leu199Val; replaces leucine 199 with valine.
Molecular consequence: missense variant.
Genome position (GRCh38, 1-based): chr15:48,537,752, G>C on the plus strand (C>G on the coding strand, the complement: FBN1 is on the minus strand). VCF-style: chr15-48537752-G-C. GRCh37 (hg19) VCF-style: chr15-48829949-G-C.
Other names: short protein forms L199V.
Identifiers: ClinVar variation 926473 (VCV000926473.13), dbSNP rs1221144366, ClinGen allele CA392446077.

ClinVar aggregate classification (germline): Uncertain significance. Review status: criteria provided, multiple submitters, no conflicts (2 of 4 stars). 3 submissions from 3 submitters: Uncertain significance (3). Last evaluated 2025-07-21.

Conditions:
Familial thoracic aortic aneurysm and aortic dissection (TAAD). Also called: Thoracic aortic aneurysms and dissections. Identifiers: Orphanet 91387, MedGen C4707243, MONDO:0019625.
Marfan syndrome (MFS). Also called: Marfan syndrome, classic; Marfan syndrome type 1; Marfan's syndrome; FBN1-Related Marfan Syndrome; MARFAN SYNDROME, TYPE I. Identifiers: Orphanet 284963, Orphanet 558, MedGen C0024796, MONDO:0007947, OMIM 154700.

Allele frequency attached by ClinVar (database versions not stated): gnomAD exomes 0.00001 and below 0.00001.
gnomAD v4.1: 3 of 1,614,212 alleles (0.00019%); highest among the groups gnomAD compares: South Asian, 0.0011%; no homozygotes.

Submissions (3):

Labcorp Genetics (formerly Invitae), Labcorp
Classification: Uncertain significance for Marfan syndrome; Familial thoracic aortic aneurysm and aortic dissection. Last evaluated: 2025-07-21. Review status: criteria provided, single submitter. Criteria: Invitae Variant Classification Sherloc (09022015). Collection method: clinical testing. Allele origin: germline.
Comment: This sequence change replaces leucine, which is neutral and non-polar, with valine, which is neutral and non-polar, at codon 199 of the FBN1 protein (p.Leu199Val). This variant is present in population databases (no rsID available, gnomAD 0.0009%). This variant has not been reported in the literature in individuals affected with FBN1-related conditions. ClinVar contains an entry for this variant (Variation ID: 926473). Invitae Evidence Modeling of protein sequence and biophysical properties (such as structural, functional, and spatial information, amino acid conservation, physicochemical variation, residue mobility, and thermodynamic stability) has been performed for this missense variant. However, the output from this modeling did not meet the statistical confidence thresholds required to predict the impact of this variant on FBN1 protein function. In summary, the available evidence is currently insufficient to determine the role of this variant in disease. Therefore, it has been classified as a Variant of Uncertain Significance.

Color Diagnostics, LLC DBA Color Health
Classification: Uncertain significance for Familial thoracic aortic aneurysm and aortic dissection. Last evaluated: 2024-03-06. Review status: criteria provided, single submitter. Criteria: ACMG Guidelines, 2015. Collection method: clinical testing. Allele origin: germline.
Comment: This missense variant replaces leucine with valine at codon 199 of the FBN1 protein. Computational prediction suggests that this variant may not impact protein structure and function (internally defined REVEL score threshold <= 0.5, PMID: 27666373). To our knowledge, functional studies have not been reported for this variant. This variant has not been reported in individuals affected with cardiovascular disorders in the literature. This variant has been identified in 1/251438 chromosomes in the general population by the Genome Aggregation Database (gnomAD). The available evidence is insufficient to determine the role of this variant in disease conclusively. Therefore, this variant is classified as a Variant of Uncertain Significance.

All of Us Research Program, National Institutes of Health
Classification: Uncertain significance for Marfan syndrome. Last evaluated: 2023-08-15. Review status: criteria provided, single submitter. Criteria: ACMG Guidelines, 2015. Collection method: clinical testing. Allele origin: germline. Inheritance: Autosomal dominant inheritance. Observed: 3 variant alleles, 3 heterozygotes.
Comment: This missense variant replaces leucine with valine at codon 199 of the FBN1 protein. Computational prediction suggests that this variant may not impact protein structure and function (internally defined REVEL score threshold <= 0.5, PMID: 27666373). To our knowledge, functional studies have not been reported for this variant. This variant has not been reported in individuals affected with cardiovascular disorders in the literature. This variant has been identified in 1/251438 chromosomes in the general population by the Genome Aggregation Database (gnomAD). The available evidence is insufficient to determine the role of this variant in disease conclusively. Therefore, this variant is classified as a Variant of Uncertain Significance.

This study involves interpretation of variants in research participants for the purpose of population health screening. Participant phenotype was not available at the time of variant classification. Additional details can be found in publication PMID: 35346344, PMCID: PMC8962531